The following is an entry in ClinVar:

ClinVar aggregate classification (germline): Pathogenic (1 of 4 stars; one submission).

Submission:

Labcorp Genetics (formerly Invitae), Labcorp
Classification: Pathogenic. Last evaluated: 2024-11-18. Review status: criteria provided, single submitter. Criteria: Invitae Variant Classification Sherloc (09022015). Collection method: clinical testing. Allele origin: germline.
Comment: This sequence change creates a premature translational stop signal (p.His172Thrfs*4) in the GNPTG gene. It is expected to result in an absent or disrupted protein product. Loss-of-function variants in GNPTG are known to be pathogenic (PMID: 19370764, 20301784). This variant is not present in population databases (gnomAD no frequency). This variant has not been reported in the literature in individuals affected with GNPTG-related conditions. ClinVar contains an entry for this variant (Variation ID: 1073680). For these reasons, this variant has been classified as Pathogenic.

Literature cited by the submitters: PubMed 19370764; PubMed 20301784.

NM_032520.5(GNPTG):c.514del (p.His172fs)

Gene: GNPTG (N-acetylglucosamine-1-phosphate transferase subunit gamma; plus strand). Cytogenetic location: 16p13.3.
Variant type: Deletion.
Coding change: c.514del on transcript NM_032520.5 (MANE Select); coding-DNA position 514, one base deleted (C; older notation c.514delC).
Protein change: p.His172fs; shifts the reading frame from histidine 172.
Molecular consequence: frameshift variant.
Genome position (GRCh38, 1-based): chr16:1,362,308, C deleted; the last of 5 consecutive C bases (chr16:1,362,304-1,362,308); deleting any one gives the same sequence. VCF-style (leftmost placement, unchanged base first): chr16-1362303-AC-A. GRCh37 (hg19) VCF-style: chr16-1412304-AC-A.
Other names: short protein forms H172fs.
Identifiers: ClinVar variation 1073680 (VCV001073680.8), dbSNP rs1321245057, ClinGen allele CA620700188.